The following is an entry in ClinVar:

NM_001199138.2(NLRC4):c.772T>C (p.Cys258Arg)

Gene: NLRC4 (NLR family CARD domain containing 4; minus strand). Cytogenetic location: 2p22.3.
Variant type: single nucleotide variant.
Coding change: c.772T>C on transcript NM_001199138.2 (MANE Select); coding-DNA position 772, T replaced by C.
Protein change: p.Cys258Arg; replaces cysteine 258 with arginine.
Molecular consequence: missense variant. On other transcripts: intron variant (1).
Genome position (GRCh38, 1-based): chr2:32,251,092, A>G on the plus strand (T>C on the coding strand, the complement: NLRC4 is on the minus strand). VCF-style: chr2-32251092-A-G. GRCh37 (hg19) VCF-style: chr2-32476161-A-G.
Other names: c.772T>C, p.Cys258Arg (NM_001199139.2, NM_021209.5); c.262+1327T>C (NM_001302504.1); short protein forms C258R.
Identifiers: ClinVar variation 1176734 (VCV001176734.42), dbSNP rs916856506, ClinGen allele CA44753509.

ClinVar aggregate classification (germline): Uncertain significance. Review status: criteria provided, multiple submitters, no conflicts (2 of 4 stars). 4 submissions from 4 submitters: Uncertain significance (4). Last evaluated 2026-04-27.

Conditions:
Periodic fever-infantile enterocolitis-autoinflammatory syndrome. Also called: Autoinflammation with infantile enterocolitis. Identifiers: Orphanet 436166, MedGen C4015067, MONDO:0014472, OMIM 616050.
Familial cold autoinflammatory syndrome 4 (FCAS4). Identifiers: Orphanet 47045, Orphanet 576349, MedGen C4015276, MONDO:0014498, OMIM 616115.

Allele frequency attached by ClinVar (database versions not stated): TOPMed 0.00002; gnomAD 0.00004 and 0.00003; gnomAD exomes 0.00002.
gnomAD v4.1: 30 of 1,613,994 alleles (0.0019%); highest among the groups gnomAD compares: Non-Finnish European, 0.002%; no homozygotes.

Submissions (4):

Women's Health and Genetics/Laboratory Corporation of America, LabCorp
Classification: Uncertain significance. Last evaluated: 2026-04-27. Review status: criteria provided, single submitter. Criteria: LabCorp Variant Classification Summary - May 2015. Collection method: clinical testing. Allele origin: germline.
Comment: Variant summary: NLRC4 c.772T>C (p.Cys258Arg) results in a non-conservative amino acid change in the encoded protein sequence. Algorithms developed to predict the effect of missense changes on protein structure and function are either unavailable or do not agree on the potential impact of this missense change. The variant allele was found at a frequency of 2e-05 in 251426 control chromosomes. The available data on variant occurrences in the general population are insufficient to allow any conclusion about variant significance. c.772T>C has been observed in individual(s) affected with early-onset inflammatory bowel disease (e.g. Serra_2020). These report(s) do not provide unequivocal conclusions about association of the variant with Periodic fever-infantile enterocolitis-autoinflammatory syndrome. To our knowledge, no experimental evidence demonstrating an impact on protein function has been reported. The following publication has been ascertained in the context of this evaluation (PMID: 32081864). ClinVar contains an entry for this variant (Variation ID: 1176734). Based on the evidence outlined above, the variant was classified as uncertain significance.

Labcorp Genetics (formerly Invitae), Labcorp
Classification: Uncertain significance for Periodic fever-infantile enterocolitis-autoinflammatory syndrome; Familial cold autoinflammatory syndrome 4. Last evaluated: 2024-11-27. Review status: criteria provided, single submitter. Criteria: Invitae Variant Classification Sherloc (09022015). Collection method: clinical testing. Allele origin: germline.
Comment: This sequence change replaces cysteine, which is neutral and slightly polar, with arginine, which is basic and polar, at codon 258 of the NLRC4 protein (p.Cys258Arg). This variant is present in population databases (no rsID available, gnomAD 0.02%). This missense change has been observed in individual(s) with very early onset inflammatory bowel disease (PMID: 32081864). ClinVar contains an entry for this variant (Variation ID: 1176734). An algorithm developed to predict the effect of missense changes on protein structure and function (PolyPhen-2) suggests that this variant is likely to be disruptive. In summary, the available evidence is currently insufficient to determine the role of this variant in disease. Therefore, it has been classified as a Variant of Uncertain Significance.

Institute for Clinical Genetics, University Hospital TU Dresden, University Hospital TU Dresden
Classification: Uncertain significance. Last evaluated: 2021-11-03. Review status: criteria provided, single submitter. Criteria: ACMG Guidelines, 2015. Collection method: clinical testing. Allele origin: germline.

CeGaT Center for Human Genetics Tuebingen
Classification: Uncertain significance. Last evaluated: 2021-06-01. Review status: criteria provided, single submitter. Criteria: CeGaT Center For Human Genetics Tuebingen Variant Classification Criteria Version 2. Collection method: clinical testing. Allele origin: germline. Affected: yes. Observed: 1 variant allele.

Literature cited by the submitters: PubMed 32081864 (cited by Women's Health and Genetics/Laboratory Corporation of America, LabCorp and Labcorp Genetics (formerly Invitae), Labcorp).